The following is an entry in ClinVar:

NM_181882.3(PRX):c.1969_1970delinsAA (p.Val657Lys)

Gene: PRX (periaxin; minus strand). Cytogenetic location: 19q13.2.
Variant type: Indel.
Coding change: c.1969_1970delinsAA on transcript NM_181882.3 (MANE Select); coding-DNA positions 1969 to 1970, GT replaced by AA.
Protein change: p.Val657Lys; replaces valine 657 with lysine.
Molecular consequence: missense variant. On other transcripts: 3 prime UTR variant (1).
Genome position (GRCh38, 1-based): chr19:40,396,382-40,396,383, AC replaced by TT on the plus strand (GT replaced by AA on the coding strand, the reverse complement: PRX is on the minus strand). VCF-style: chr19-40396382-AC-TT. GRCh37 (hg19) VCF-style: chr19-40902289-AC-TT.
Other names: c.2254_2255delinsAA, p.Val752Lys (NM_001411127.1); c.*2174_*2175delinsAA (NM_020956.2); short protein forms V657K, V752K.
Identifiers: ClinVar variation 3707081 (VCV003707081.2).

ClinVar aggregate classification (germline): Uncertain significance (1 of 4 stars; one submission).

Conditions:
Charcot-Marie-Tooth disease type 4. Also called: Charcot-Marie-Tooth, Type 4; Charcot-Marie-Tooth disease, type IV. Identifiers: Orphanet 64749, MedGen C4082197, MONDO:0018995.

Submission:

Labcorp Genetics (formerly Invitae), Labcorp
Classification: Uncertain significance for Charcot-Marie-Tooth disease type 4. Last evaluated: 2024-09-20. Review status: criteria provided, single submitter. Criteria: Invitae Variant Classification Sherloc (09022015). Collection method: clinical testing. Allele origin: germline.
Comment: This sequence change replaces valine, which is neutral and non-polar, with lysine, which is basic and polar, at codon 657 of the PRX protein (p.Val657Lys). Information on the frequency of this variant in the gnomAD database is not available, as this variant may be reported differently in the database. This variant has not been reported in the literature in individuals affected with PRX-related conditions. An algorithm developed to predict the effect of missense changes on protein structure and function (PolyPhen-2) suggests that this variant is likely to be disruptive. In summary, the available evidence is currently insufficient to determine the role of this variant in disease. Therefore, it has been classified as a Variant of Uncertain Significance.